The following is an entry in ClinVar:

ClinVar aggregate classification (germline): Uncertain significance. Review status: criteria provided, multiple submitters, no conflicts (2 of 4 stars). 4 submissions from 4 submitters: Uncertain significance (3). 1 of the submissions does not count toward it. Last evaluated 2024-07-16.

Conditions:
Inborn genetic diseases. Identifiers: MedGen C0950123, MeSH D030342.
Autosomal recessive limb-girdle muscular dystrophy type 2C (LGMDR5). Also called: MUSCULAR DYSTROPHY, DUCHENNE-LIKE; MUSCULAR DYSTROPHY, LIMB-GIRDLE, AUTOSOMAL RECESSIVE 5. Identifiers: Orphanet 353, MedGen C0410173, MONDO:0009677, OMIM 253700. Disease mechanism: Affects gamma-sarcoglycan and also disrupts the integrity of the entire sarcoglycan complex..

Allele frequency attached by ClinVar (database versions not stated): gnomAD exomes 0.00002; ExAC 0.00004.
gnomAD v4.1: 18 of 1,610,616 alleles (0.0011%); highest among the groups gnomAD compares: Middle Eastern, 0.05%; no homozygotes.

Submissions (4):

Ambry Genetics
Classification: Uncertain significance for Inborn genetic diseases. Last evaluated: 2024-07-16. Review status: criteria provided, single submitter. Criteria: Ambry Variant Classification Scheme 2023. Collection method: clinical testing. Allele origin: germline.

Labcorp Genetics (formerly Invitae), Labcorp
Classification: Uncertain significance for Autosomal recessive limb-girdle muscular dystrophy type 2C. Last evaluated: 2022-09-12. Review status: criteria provided, single submitter. Criteria: Invitae Variant Classification Sherloc (09022015). Collection method: clinical testing. Allele origin: germline.
Comment: This sequence change replaces glycine, which is neutral and non-polar, with valine, which is neutral and non-polar, at codon 208 of the SGCG protein (p.Gly208Val). This variant is present in population databases (rs778119056, gnomAD 0.01%). This variant has not been reported in the literature in individuals affected with SGCG-related conditions. ClinVar contains an entry for this variant (Variation ID: 1016199). Advanced modeling of protein sequence and biophysical properties (such as structural, functional, and spatial information, amino acid conservation, physicochemical variation, residue mobility, and thermodynamic stability) performed at Invitae indicates that this missense variant is expected to disrupt SGCG protein function. In summary, the available evidence is currently insufficient to determine the role of this variant in disease. Therefore, it has been classified as a Variant of Uncertain Significance.

Revvity Omics, Revvity
Classification: Uncertain significance for Autosomal recessive limb-girdle muscular dystrophy type 2C. Last evaluated: 2020-03-04. Review status: criteria provided, single submitter. Criteria: ACMG Guidelines, 2015. Collection method: clinical testing. Allele origin: germline.

Natera, Inc.
Classification: Uncertain significance for Limb-girdle muscular dystrophy type 2C. Last evaluated: 2020-02-21. Review status: no assertion criteria provided. Collection method: clinical testing. Allele origin: germline. Not counted in ClinVar's aggregate classification.

NM_000231.3(SGCG):c.623G>T (p.Gly208Val)

Gene: SGCG (sarcoglycan gamma; plus strand). Cytogenetic location: 13q12.12.
Variant type: single nucleotide variant.
Coding change: c.623G>T on transcript NM_000231.3 (MANE Select); coding-DNA position 623, G replaced by T.
Protein change: p.Gly208Val; replaces glycine 208 with valine.
Molecular consequence: missense variant.
Genome position (GRCh38, 1-based): chr13:23,320,681, G>T. VCF-style: chr13-23320681-G-T. GRCh37 (hg19) VCF-style: chr13-23894820-G-T.
Other names: c.677G>T, p.Gly226Val (NM_001378244.1); c.623G>T, p.Gly208Val (NM_001378245.1, NM_001378246.1); c.623G>T (NM_000231.2); short protein forms G208V, G226V.
Identifiers: ClinVar variation 1016199 (VCV001016199.13), dbSNP rs778119056, ClinGen allele CA6909798.